The following is an entry in ClinVar:

ClinVar aggregate classification (germline): Uncertain significance (1 of 4 stars; one submission).

Conditions:
Retinoblastoma (RB1). Also called: RETINOBLASTOMA, SOMATIC. Identifiers: Orphanet 790, MedGen C0035335, MeSH D012175, MONDO:0008380, OMIM 180200, HP:0009919. Disease mechanism: loss of function. Inheritance: Both sporadic and heritable forms are tested..

Submission:

Labcorp Genetics (formerly Invitae), Labcorp
Classification: Uncertain significance for Retinoblastoma. Last evaluated: 2025-12-21. Review status: criteria provided, single submitter. Criteria: Invitae Variant Classification Sherloc (09022015). Collection method: clinical testing. Allele origin: germline.
Comment: This sequence change replaces leucine, which is neutral and non-polar, with valine, which is neutral and non-polar, at codon 235 of the RB1 protein (p.Leu235Val). This variant is not present in population databases (gnomAD no frequency). This variant has not been reported in the literature in individuals affected with RB1-related conditions. ClinVar contains an entry for this variant (Variation ID: 2993577). Invitae Evidence Modeling of protein sequence and biophysical properties (such as structural, functional, and spatial information, amino acid conservation, physicochemical variation, residue mobility, and thermodynamic stability) indicates that this missense variant is not expected to disrupt RB1 protein function with a negative predictive value of 80%. In summary, the available evidence is currently insufficient to determine the role of this variant in disease. Therefore, it has been classified as a Variant of Uncertain Significance.

NM_000321.3(RB1):c.703C>G (p.Leu235Val)

Gene: RB1 (RB transcriptional corepressor 1; plus strand). Cytogenetic location: 13q14.2.
Variant type: single nucleotide variant.
Coding change: c.703C>G on transcript NM_000321.3 (MANE Select); coding-DNA position 703, C replaced by G.
Protein change: p.Leu235Val; replaces leucine 235 with valine.
Molecular consequence: missense variant.
Genome position (GRCh38, 1-based): chr13:48,360,112, C>G. VCF-style: chr13-48360112-C-G. GRCh37 (hg19) VCF-style: chr13-48934248-C-G.
Other names: c.703C>G, p.Leu235Val (NM_001407165.1, NM_001407166.1); short protein forms L235V.
Identifiers: ClinVar variation 2993577 (VCV002993577.3), dbSNP rs1952626166, ClinGen allele CA388158586.